The following is an entry in ClinVar:

ClinVar aggregate classification (germline): Pathogenic (0 of 4 stars; one submission).

Conditions:
Fanconi anemia complementation group A (FANCA). Also called: Fanconi anemia, group A; FANCA-Related Fanconi Anemia. Identifiers: Orphanet 84, MedGen C3469521, MONDO:0009215, OMIM 227650.

Submission:

Leiden Open Variation Database
Classification: Pathogenic for Fanconi anemia complementation group A. Last evaluated: 2020-02-28. Review status: no assertion criteria provided. Collection method: curation. Allele origin: germline. Affected: yes.
Comment: Curator: Arleen D. Auerbach. Submitter to LOVD: Arleen D. Auerbach.

NC_000016.10:g.(89739290_89739477)_(89783103_89784853)del

Genes: FANCA (FA complementation group A; minus strand), ZNF276 (zinc finger protein 276; plus strand). Cytogenetic location: 16q24.3.
Variant type: Deletion.
Identifiers: ClinVar variation 974311 (VCV000974311.1).